The following is an entry in ClinVar:

NC_000009.12:g.(?_134690892)_(134763757_?)del

Gene: COL5A1 (collagen type V alpha 1 chain; plus strand). Cytogenetic location: 9q34.3.
Variant type: Deletion.
Identifiers: ClinVar variation 459648 (VCV000459648.3).

ClinVar aggregate classification (germline): Pathogenic (1 of 4 stars; one submission).

Conditions:
Ehlers-Danlos syndrome, classic type (cEDS). Identifiers: Orphanet 287, MedGen C4225429, MONDO:0007522.

Submission:

Labcorp Genetics (formerly Invitae), Labcorp
Classification: Pathogenic for Ehlers-Danlos syndrome, classic type, 1. Last evaluated: 2017-07-21. Review status: criteria provided, single submitter. Criteria: Invitae Variant Classification Sherloc (09022015). Collection method: clinical testing. Allele origin: germline.
Comment: This variant is an out-of-frame deletion of the genomic region encompassing exons 2-20 of the COL5A1 gene. This creates a premature translational stop signal and is expected to result in an absent or disrupted protein product. This variant has not been reported in the literature in individuals with COL5A1-related disease. Loss-of-function variants in COL5A1 are known to be pathogenic (PMID: 23587214). For these reasons, this variant has been classified as Pathogenic.